The following is an entry in ClinVar:

ClinVar aggregate classification (germline): Uncertain significance (1 of 4 stars; one submission).

Submission:

GeneDx
Classification: Uncertain significance. Last evaluated: 2025-01-14. Review status: criteria provided, single submitter. Criteria: GeneDx Variant Classification Process June 2021. Collection method: clinical testing. Allele origin: germline. Affected: yes.
Comment: Not observed at significant frequency in large population cohorts (gnomAD); In silico analysis indicates that this missense variant does not alter protein structure/function; Has not been previously published as pathogenic or benign to our knowledge

NM_000814.6(GABRB3):c.175C>G (p.Pro59Ala)

Gene: GABRB3 (gamma-aminobutyric acid type A receptor subunit beta3; minus strand). Cytogenetic location: 15q12.
Variant type: single nucleotide variant.
Coding change: c.175C>G on transcript NM_000814.6 (MANE Select); coding-DNA position 175, C replaced by G.
Protein change: p.Pro59Ala; replaces proline 59 with alanine.
Molecular consequence: missense variant. On other transcripts: 5 prime UTR variant (1).
Genome position (GRCh38, 1-based): chr15:26,772,467, G>C on the plus strand (C>G on the coding strand, the complement: GABRB3 is on the minus strand). VCF-style: chr15-26772467-G-C. GRCh37 (hg19) VCF-style: chr15-27017614-G-C.
Other names: c.-177C>G (NM_001278631.2); c.175C>G, p.Pro59Ala (NM_021912.5); short protein forms P59A.
Identifiers: ClinVar variation 4057139 (VCV004057139.1).